The following is an entry in ClinVar:

NM_015404.4(WHRN):c.643G>T (p.Val215Leu)

Gene: WHRN (whirlin; minus strand). Cytogenetic location: 9q32.
Variant type: single nucleotide variant.
Coding change: c.643G>T on transcript NM_015404.4 (MANE Select); coding-DNA position 643, G replaced by T.
Protein change: p.Val215Leu; replaces valine 215 with leucine.
Molecular consequence: missense variant. On other transcripts: 5 prime UTR variant (1).
Genome position (GRCh38, 1-based): chr9:114,478,747, C>A on the plus strand (G>T on the coding strand, the complement: WHRN is on the minus strand). VCF-style: chr9-114478747-C-A. GRCh37 (hg19) VCF-style: chr9-117241027-C-A.
Other names: c.-507G>T (NM_001083885.3); c.643G>T, p.Val215Leu (NM_001173425.2); short protein forms V215L.
Identifiers: ClinVar variation 1478108 (VCV001478108.8), dbSNP rs375459436, ClinGen allele CA5206221.

ClinVar aggregate classification (germline): Uncertain significance (1 of 4 stars; one submission).

Allele frequency attached by ClinVar (database versions not stated): ExAC 0.00001; ESP Exome Variant Server 0.00008.
gnomAD v4.1: 5 of 1,612,250 alleles (0.00031%); highest among the groups gnomAD compares: Non-Finnish European, 0.00034%; no homozygotes.

Submission:

Labcorp Genetics (formerly Invitae), Labcorp
Classification: Uncertain significance. Last evaluated: 2021-03-31. Review status: criteria provided, single submitter. Criteria: Invitae Variant Classification Sherloc (09022015). Collection method: clinical testing. Allele origin: germline.
Comment: In summary, the available evidence is currently insufficient to determine the role of this variant in disease. Therefore, it has been classified as a Variant of Uncertain Significance. Algorithms developed to predict the effect of missense changes on protein structure and function output the following: SIFT: "Tolerated"; PolyPhen-2: "Benign"; Align-GVGD: "Class C0". The leucine amino acid residue is found in multiple mammalian species, suggesting that this missense change does not adversely affect protein function. These predictions have not been confirmed by published functional studies and their clinical significance is uncertain. This variant has not been reported in the literature in individuals with WHRN-related conditions. This variant is present in population databases (rs375459436, ExAC 0.002%). This sequence change replaces valine with leucine at codon 215 of the WHRN protein (p.Val215Leu). The valine residue is moderately conserved and there is a small physicochemical difference between valine and leucine.